The following is an entry in ClinVar:

NM_004415.4(DSP):c.8198C>T (p.Thr2733Met)

Gene: DSP (desmoplakin; plus strand). Cytogenetic location: 6p24.3.
Variant type: single nucleotide variant.
Coding change: c.8198C>T on transcript NM_004415.4 (MANE Select); coding-DNA position 8198, C replaced by T.
Protein change: p.Thr2733Met; replaces threonine 2733 with methionine.
Molecular consequence: missense variant.
Genome position (GRCh38, 1-based): chr6:7,585,460, C>T. VCF-style: chr6-7585460-C-T. GRCh37 (hg19) VCF-style: chr6-7585693-C-T.
Other names: c.8198C>T (LRG_423t1); c.6401C>T, p.Thr2134Met (NM_001008844.3); c.6869C>T, p.Thr2290Met (NM_001319034.2); short protein forms T2733M, T2290M, T2134M.
Identifiers: ClinVar variation 629591 (VCV000629591.6), dbSNP rs1561705229, ClinGen allele CA362694655.

ClinVar aggregate classification (germline): Uncertain significance. Review status: criteria provided, multiple submitters, no conflicts (2 of 4 stars). 2 submissions from 2 submitters: Uncertain significance (2). Last evaluated 2025-01-16.

Conditions:
Arrhythmogenic cardiomyopathy with wooly hair and keratoderma. Also called: PALMOPLANTAR KERATODERMA WITH LEFT VENTRICULAR CARDIOMYOPATHY AND WOOLLY HAIR; Carvajal syndrome; Dilated cardiomyopathy with woolly hair and keratoderma; Arrhythmogenic cardiomyopathy with woolly hair and keratoderma. Identifiers: Orphanet 65282, MedGen C1854063, MONDO:0011581, OMIM 605676.
Arrhythmogenic right ventricular dysplasia 8 (ARVD8). Also called: ARRHYTHMOGENIC RIGHT VENTRICULAR DYSPLASIA, FAMILIAL, 8; ARRHYTHMOGENIC RIGHT VENTRICULAR CARDIOMYOPATHY 8; Arrhythmogenic Right Ventricular Dysplasia/Cardiomyopathy 8. Identifiers: MedGen C1843896, MONDO:0011831, OMIM 607450.
Cardiomyopathy (CMYO). Also called: Cardiomyopathies. Identifiers: Orphanet 167848, MedGen C0878544, MONDO:0004994, HP:0001638. Inheritance: Various modes of inheritance.

gnomAD v4.1: 1 of 1,614,138 alleles (0.000062%); no homozygotes.

Submissions (2):

Labcorp Genetics (formerly Invitae), Labcorp
Classification: Uncertain significance for Arrhythmogenic cardiomyopathy with wooly hair and keratoderma; Arrhythmogenic right ventricular dysplasia 8. Last evaluated: 2025-01-16. Review status: criteria provided, single submitter. Criteria: Invitae Variant Classification Sherloc (09022015). Collection method: clinical testing. Allele origin: germline.
Comment: This sequence change replaces threonine, which is neutral and polar, with methionine, which is neutral and non-polar, at codon 2733 of the DSP protein (p.Thr2733Met). This variant is not present in population databases (gnomAD no frequency). This variant has not been reported in the literature in individuals affected with DSP-related conditions. ClinVar contains an entry for this variant (Variation ID: 629591). An algorithm developed to predict the effect of missense changes on protein structure and function (PolyPhen-2) suggests that this variant is likely to be disruptive. In summary, the available evidence is currently insufficient to determine the role of this variant in disease. Therefore, it has been classified as a Variant of Uncertain Significance.

Color Diagnostics, LLC DBA Color Health
Classification: Uncertain significance for Cardiomyopathy. Last evaluated: 2024-03-06. Review status: criteria provided, single submitter. Criteria: ACMG Guidelines, 2015. Collection method: clinical testing. Allele origin: germline.
Comment: This missense variant replaces threonine with methionine at codon 2733 of the DSP protein. Computational prediction suggests that this variant may have deleterious impact on protein structure and function (internally defined REVEL score threshold >= 0.7, PMID: 27666373). To our knowledge, functional studies have not been reported for this variant. This variant has not been reported in individuals affected with cardiovascular disorders in the literature. This variant has not been identified in the general population by the Genome Aggregation Database (gnomAD). The available evidence is insufficient to determine the role of this variant in disease conclusively. Therefore, this variant is classified as a Variant of Uncertain Significance.